The following is an entry in ClinVar:

ClinVar aggregate classification (germline): Uncertain significance. Review status: criteria provided, multiple submitters, no conflicts (2 of 4 stars). 3 submissions from 3 submitters: Uncertain significance (2). 1 of the submissions does not count toward it. Last evaluated 2025-09-25.

Conditions:
Leber congenital amaurosis (LCA). Also called: Leber's amaurosis. Identifiers: Orphanet 65, MedGen C0339527, MeSH D057130, MONDO:0018998.
Inborn genetic diseases. Identifiers: MedGen C0950123, MeSH D030342.

Allele frequency attached by ClinVar (database versions not stated): 1000 Genomes Project 30x 0.00031; 1000 Genomes Project 0.00040; ExAC 0.00002; TOPMed 0.00014; gnomAD exomes 0.00001; gnomAD 0.00008.
gnomAD v4.1: 21 of 1,613,246 alleles (0.0013%); highest among the groups gnomAD compares: Admixed American, 0.023%; no homozygotes.

Submissions (3):

Ambry Genetics
Classification: Uncertain significance for Inborn genetic diseases. Last evaluated: 2025-09-25. Review status: criteria provided, single submitter. Criteria: Ambry Variant Classification Scheme 2023. Collection method: clinical testing. Allele origin: germline.

Labcorp Genetics (formerly Invitae), Labcorp
Classification: Uncertain significance. Last evaluated: 2022-07-26. Review status: criteria provided, single submitter. Criteria: Invitae Variant Classification Sherloc (09022015). Collection method: clinical testing. Allele origin: germline.
Comment: This sequence change replaces lysine, which is basic and polar, with arginine, which is basic and polar, at codon 340 of the LCA5 protein (p.Lys340Arg). This variant is present in population databases (rs577692224, gnomAD 0.009%). This variant has not been reported in the literature in individuals affected with LCA5-related conditions. ClinVar contains an entry for this variant (Variation ID: 839349). Algorithms developed to predict the effect of missense changes on protein structure and function (SIFT, PolyPhen-2, Align-GVGD) all suggest that this variant is likely to be tolerated. In summary, the available evidence is currently insufficient to determine the role of this variant in disease. Therefore, it has been classified as a Variant of Uncertain Significance.

Natera, Inc.
Classification: Uncertain significance for Leber congenital amaurosis. Last evaluated: 2020-04-17. Review status: no assertion criteria provided. Collection method: clinical testing. Allele origin: germline. Not counted in ClinVar's aggregate classification.

NM_001122769.3(LCA5):c.1019A>G (p.Lys340Arg)

Gene: LCA5 (lebercilin LCA5; minus strand). Cytogenetic location: 6q14.1.
Variant type: single nucleotide variant.
Coding change: c.1019A>G on transcript NM_001122769.3 (MANE Select); coding-DNA position 1019, A replaced by G.
Protein change: p.Lys340Arg; replaces lysine 340 with arginine.
Molecular consequence: missense variant.
Genome position (GRCh38, 1-based): chr6:79,491,667, T>C on the plus strand (A>G on the coding strand, the complement: LCA5 is on the minus strand). VCF-style: chr6-79491667-T-C. GRCh37 (hg19) VCF-style: chr6-80201384-T-C.
Other names: c.1019A>G, p.Lys340Arg (NM_181714.4); short protein forms K340R.
Identifiers: ClinVar variation 839349 (VCV000839349.6), dbSNP rs577692224, ClinGen allele CA3900957.